The following is an entry in ClinVar:

NM_001330195.2(NRXN3):c.2751C>T (p.Asp917=)

Gene: NRXN3 (neurexin 3; plus strand). Cytogenetic location: 14q31.1.
Variant type: single nucleotide variant.
Coding change: c.2751C>T on transcript NM_001330195.2 (MANE Select); coding-DNA position 2751, C replaced by T.
Protein change: p.Asp917=; no amino-acid change (aspartic acid 917 retained).
Molecular consequence: synonymous variant. On other transcripts: non-coding transcript variant (4).
Genome position (GRCh38, 1-based): chr14:78,966,380, C>T. VCF-style: chr14-78966380-C-T. GRCh37 (hg19) VCF-style: chr14-79432723-C-T.
Other names: c.2751C>T, p.Asp917= (NM_001366425.1); c.2763C>T, p.Asp921= (NM_001366426.1); c.1632C>T, p.Asp544= (NM_004796.6).
Identifiers: ClinVar variation 3039712 (VCV003039712.2), dbSNP rs1248179449, ClinGen allele CA487516249.

ClinVar aggregate classification (germline): Likely benign (0 of 4 stars; one submission).

Conditions:
NRXN3-related disorder. Also called: NRXN3-related condition.

Allele frequency attached by ClinVar (database versions not stated): gnomAD exomes 0.00001; gnomAD 0.00009; TOPMed 0.00009.
gnomAD v4.1: 27 of 1,613,066 alleles (0.0017%); highest among the groups gnomAD compares: Admixed American, 0.045%; no homozygotes.

Submission:

PreventionGenetics, part of Exact Sciences
Classification: Likely benign for NRXN3-related condition. Last evaluated: 2019-05-24. Review status: no assertion criteria provided. Collection method: clinical testing. Allele origin: germline.
Comment: This variant is classified as likely benign based on ACMG/AMP sequence variant interpretation guidelines (Richards et al. 2015 PMID: 25741868, with internal and published modifications).